The following is an entry in ClinVar:

NM_014283.5(SUCO):c.2473G>A (p.Val825Met)

Gene: SUCO (SUN domain containing ossification factor; plus strand). Cytogenetic location: 1q24.3.
Variant type: single nucleotide variant.
Coding change: c.2473G>A on transcript NM_014283.5 (MANE Select); coding-DNA position 2473, G replaced by A.
Protein change: p.Val825Met; replaces valine 825 with methionine.
Molecular consequence: missense variant. On other transcripts: intron variant (1).
Genome position (GRCh38, 1-based): chr1:172,589,574, G>A. VCF-style: chr1-172589574-G-A. GRCh37 (hg19) VCF-style: chr1-172558714-G-A.
Other names: c.784G>A, p.Val262Met (NM_001282751.2); c.2926G>A, p.Val976Met (NM_016227.4); c.1712+650G>A (NM_001282750.2); short protein forms V262M, V825M, V976M.
Identifiers: ClinVar variation 2762479 (VCV002762479.3), dbSNP rs202031322, ClinGen allele CA1247083.

ClinVar aggregate classification (germline): Uncertain significance (1 of 4 stars; one submission).

Allele frequency attached by ClinVar (database versions not stated): TOPMed below 0.00001; gnomAD 0.00001; 1000 Genomes Project 0.00020; gnomAD exomes 0.00001; 1000 Genomes Project 30x 0.00031; ExAC 0.00002.
gnomAD v4.1: 6 of 1,613,754 alleles (0.00037%); highest among the groups gnomAD compares: Admixed American, 0.005%; no homozygotes.

Submission:

Labcorp Genetics (formerly Invitae), Labcorp
Classification: Uncertain significance. Last evaluated: 2025-10-12. Review status: criteria provided, single submitter. Criteria: Invitae Variant Classification Sherloc (09022015). Collection method: clinical testing. Allele origin: germline.
Comment: This sequence change replaces valine, which is neutral and non-polar, with methionine, which is neutral and non-polar, at codon 825 of the SUCO protein (p.Val825Met). This variant is present in population databases (rs202031322, gnomAD 0.003%). This variant has not been reported in the literature in individuals affected with SUCO-related conditions. ClinVar contains an entry for this variant (Variation ID: 2762479). An algorithm developed to predict the effect of missense changes on protein structure and function (PolyPhen-2) suggests that this variant is likely to be tolerated. In summary, the available evidence is currently insufficient to determine the role of this variant in disease. Therefore, it has been classified as a Variant of Uncertain Significance.